The following is an entry in ClinVar:

NM_000493.4(COL10A1):c.812C>G (p.Ala271Gly)

Genes: COL10A1 (collagen type X alpha 1 chain; minus strand), NT5DC1 (5'-nucleotidase domain containing 1; plus strand). Cytogenetic location: 6q22.1.
Variant type: single nucleotide variant.
Coding change: c.812C>G on transcript NM_000493.4 (MANE Select); coding-DNA position 812, C replaced by G.
Protein change: p.Ala271Gly; replaces alanine 271 with glycine.
Molecular consequence: missense variant. On other transcripts: intron variant (1).
Genome position (GRCh38, 1-based): chr6:116,121,304, G>C on the plus strand (C>G on the coding strand, the complement: COL10A1 is on the minus strand). VCF-style: chr6-116121304-G-C. GRCh37 (hg19) VCF-style: chr6-116442467-G-C.
Other names: c.812C>G, p.Ala271Gly (NM_001424106.1, NM_001424107.1); c.529+3359G>C (NM_152729.3); short protein forms A271G.
Identifiers: ClinVar variation 4717070 (VCV004717070.1).

ClinVar aggregate classification (germline): Uncertain significance (1 of 4 stars; one submission).

Submission:

Labcorp Genetics (formerly Invitae), Labcorp
Classification: Uncertain significance. Last evaluated: 2025-06-16. Review status: criteria provided, single submitter. Criteria: Invitae Variant Classification Sherloc (09022015). Collection method: clinical testing. Allele origin: germline.
Comment: This sequence change replaces alanine, which is neutral and non-polar, with glycine, which is neutral and non-polar, at codon 271 of the COL10A1 protein (p.Ala271Gly). This variant is not present in population databases (gnomAD no frequency). This variant has not been reported in the literature in individuals affected with COL10A1-related conditions. Invitae Evidence Modeling of protein sequence and biophysical properties (such as structural, functional, and spatial information, amino acid conservation, physicochemical variation, residue mobility, and thermodynamic stability) has been performed for this missense variant. However, the output from this modeling did not meet the statistical confidence thresholds required to predict the impact of this variant on COL10A1 protein function. In summary, the available evidence is currently insufficient to determine the role of this variant in disease. Therefore, it has been classified as a Variant of Uncertain Significance.